The following is an entry in ClinVar:

NM_000388.4(CASR):c.3088A>G (p.Thr1030Ala)

Gene: CASR (calcium sensing receptor; plus strand). Cytogenetic location: 3q21.1.
Variant type: single nucleotide variant.
Coding change: c.3088A>G on transcript NM_000388.4 (MANE Select); coding-DNA position 3088, A replaced by G.
Protein change: p.Thr1030Ala; replaces threonine 1030 with alanine.
Molecular consequence: missense variant.
Genome position (GRCh38, 1-based): chr3:122,285,042, A>G. VCF-style: chr3-122285042-A-G. GRCh37 (hg19) VCF-style: chr3-122003889-A-G.
Other names: c.3118A>G, p.Thr1040Ala (NM_001178065.2); short protein forms T1030A, T1040A.
Identifiers: ClinVar variation 1009972 (VCV001009972.9), dbSNP rs2074953253, ClinGen allele CA354161412.

ClinVar aggregate classification (germline): Uncertain significance (1 of 4 stars; one submission).

Conditions:
Autosomal dominant hypocalcemia 1 (HYPOC1). Also called: HYPOCALCEMIA, FAMILIAL. Identifiers: MedGen C3715128, MONDO:0011013, OMIM 601198.
Familial hypocalciuric hypercalcemia (FHH). Also called: Familial benign hypercalcemia. Identifiers: Orphanet 405, MedGen C1809471, MONDO:0018458.

Allele frequency attached by ClinVar (database versions not stated): gnomAD exomes below 0.00001.
gnomAD v4.1: 1 of 1,614,206 alleles (0.000062%); highest among the groups gnomAD compares: Non-Finnish European, 0.000085%; no homozygotes.

Submission:

Labcorp Genetics (formerly Invitae), Labcorp
Classification: Uncertain significance for Familial hypocalciuric hypercalcemia; Autosomal dominant hypocalcemia 1. Last evaluated: 2021-05-18. Review status: criteria provided, single submitter. Criteria: Invitae Variant Classification Sherloc (09022015). Collection method: clinical testing. Allele origin: germline.
Comment: In summary, the available evidence is currently insufficient to determine the role of this variant in disease. Therefore, it has been classified as a Variant of Uncertain Significance. Algorithms developed to predict the effect of missense changes on protein structure and function output the following: SIFT: "Tolerated"; PolyPhen-2: "Benign"; Align-GVGD: "Class C0". The alanine amino acid residue is found in multiple mammalian species, suggesting that this missense change does not adversely affect protein function. These predictions have not been confirmed by published functional studies and their clinical significance is uncertain. This variant has not been reported in the literature in individuals with CASR-related conditions. This variant is not present in population databases (ExAC no frequency). This sequence change replaces threonine with alanine at codon 1030 of the CASR protein (p.Thr1030Ala). The threonine residue is moderately conserved and there is a small physicochemical difference between threonine and alanine.